The following is an entry in ClinVar:

NM_001197104.2(KMT2A):c.6007G>A (p.Asp2003Asn)

Gene: KMT2A (lysine methyltransferase 2A; plus strand). Cytogenetic location: 11q23.3.
Variant type: single nucleotide variant.
Coding change: c.6007G>A on transcript NM_001197104.2 (MANE Select); coding-DNA position 6007, G replaced by A.
Protein change: p.Asp2003Asn; replaces aspartic acid 2003 with asparagine.
Molecular consequence: missense variant.
Genome position (GRCh38, 1-based): chr11:118,499,348, G>A. VCF-style: chr11-118499348-G-A. GRCh37 (hg19) VCF-style: chr11-118370063-G-A.
Other names: c.6097G>A, p.Asp2033Asn (NM_001412597.1); c.5998G>A, p.Asp2000Asn (NM_005933.4); short protein forms D2003N, D2000N, D2033N.
Identifiers: ClinVar variation 2132698 (VCV002132698.4), dbSNP rs2134372156, ClinGen allele CA382799233.

ClinVar aggregate classification (germline): Uncertain significance (1 of 4 stars; one submission).

Submission:

Labcorp Genetics (formerly Invitae), Labcorp
Classification: Uncertain significance. Last evaluated: 2022-05-16. Review status: criteria provided, single submitter. Criteria: Invitae Variant Classification Sherloc (09022015). Collection method: clinical testing. Allele origin: germline.
Comment: Advanced modeling of protein sequence and biophysical properties (such as structural, functional, and spatial information, amino acid conservation, physicochemical variation, residue mobility, and thermodynamic stability) performed at Invitae indicates that this missense variant is expected to disrupt KMT2A protein function. This variant has not been reported in the literature in individuals affected with KMT2A-related conditions. This variant is not present in population databases (gnomAD no frequency). This sequence change replaces aspartic acid, which is acidic and polar, with asparagine, which is neutral and polar, at codon 2003 of the KMT2A protein (p.Asp2003Asn). In summary, the available evidence is currently insufficient to determine the role of this variant in disease. Therefore, it has been classified as a Variant of Uncertain Significance.